The following is an entry in ClinVar:

ClinVar aggregate classification (germline): Conflicting classifications of pathogenicity. Review status: criteria provided, conflicting classifications (1 of 4 stars). 2 submissions from 2 submitters: Uncertain significance (1); Likely benign (1). Last evaluated 2026-01-14.

Conditions:
Microcephaly, normal intelligence and immunodeficiency (NBS). Also called: Nijmegen breakage syndrome; Microcephaly with normal intelligence immunodeficiency and lymphoreticular malignancies; Nonsyndromal microcephaly autosomal recessive with normal intelligence; Seemanova syndrome 2; Immunodeficiency, microcephaly with normal intelligence; Ataxia telangiectasia variant V1. Identifiers: Orphanet 647, MedGen C0398791, MONDO:0009623, OMIM 251260.

Allele frequency attached by ClinVar (database versions not stated): gnomAD exomes below 0.00001.

Submissions (2):

Labcorp Genetics (formerly Invitae), Labcorp
Classification: Likely benign for Microcephaly, normal intelligence and immunodeficiency. Last evaluated: 2026-01-14. Review status: criteria provided, single submitter. Criteria: Invitae Variant Classification Sherloc (09022015). Collection method: clinical testing. Allele origin: germline.

Quest Diagnostics Nichols Institute San Juan Capistrano
Classification: Uncertain significance. Last evaluated: 2024-04-14. Review status: criteria provided, single submitter. Criteria: Quest Diagnostics criteria. Collection method: clinical testing. Allele origin: unknown.
Comment: The NBN c.481-7A>G variant has not been reported in individuals with NBN-related conditions in the published literature. It also has not been reported in large, multi-ethnic general populations (Genome Aggregation Database). Analysis of this variant using software algorithms for the prediction of the effect of nucleotide changes on splicing yielded predictions that this variant does not affect NBN mRNA splicing. Based on the available information, we are unable to determine the clinical significance of this variant.

NM_002485.5(NBN):c.481-7A>G

Gene: NBN (nibrin; minus strand). Cytogenetic location: 8q21.3.
Variant type: single nucleotide variant.
Coding change: c.481-7A>G on transcript NM_002485.5 (MANE Select); 7 bases into the intron before coding-DNA position 481, A replaced by G.
Molecular consequence: intron variant.
Genome position (GRCh38, 1-based): chr8:89,978,330, T>C on the plus strand (A>G on the coding strand, the complement: NBN is on the minus strand). VCF-style: chr8-89978330-T-C. GRCh37 (hg19) VCF-style: chr8-90990558-T-C.
Other names: c.235-7A>G (NM_001024688.3); c.481-7A>G (NM_002485.4).
Identifiers: ClinVar variation 1080186 (VCV001080186.10), dbSNP rs2129890380, ClinGen allele CA2499219439.